The following is an entry in ClinVar:

ClinVar aggregate classification (germline): Uncertain significance (1 of 4 stars; one submission).

Conditions:
Hereditary breast ovarian cancer syndrome. Also called: Hereditary breast and ovarian cancer; Breast and ovarian cancer; BRCA1- and BRCA2-Associated Hereditary Breast and Ovarian Cancer; Hereditary breast and/or ovarian cancer syndrome; Hereditary breast and ovarian cancer syndrome; Hereditary breast and ovarian cancer syndrome (HBOC). Identifiers: Orphanet 145, MedGen C0677776, MeSH D061325, MONDO:0003582. Disease mechanism: loss of function.

Allele frequency attached by ClinVar (database versions not stated): TOPMed below 0.00001.

Submission:

Labcorp Genetics (formerly Invitae), Labcorp
Classification: Uncertain significance for Hereditary breast ovarian cancer syndrome. Last evaluated: 2021-01-25. Review status: criteria provided, single submitter. Criteria: Invitae Variant Classification Sherloc (09022015). Collection method: clinical testing. Allele origin: germline.
Comment: Advanced modeling of protein sequence and biophysical properties (such as structural, functional, and spatial information, amino acid conservation, physicochemical variation, residue mobility, and thermodynamic stability) performed at Invitae indicates that this missense variant is not expected to disrupt BRCA1 protein function. Algorithms developed to predict the effect of sequence changes on RNA splicing suggest that this variant may create or strengthen a splice site, but this prediction has not been confirmed by published transcriptional studies. In summary, the available evidence is currently insufficient to determine the role of this variant in disease. Therefore, it has been classified as a Variant of Uncertain Significance. This sequence change replaces glutamic acid with valine at codon 1527 of the BRCA1 protein (p.Glu1527Val). The glutamic acid residue is moderately conserved and there is a moderate physicochemical difference between glutamic acid and valine. This variant is not present in population databases (ExAC no frequency). This variant has been observed in individual(s) with breast cancer (PMID: 29805665).

Literature cited by the submitters: PubMed 29805665.

NM_007294.4(BRCA1):c.4580A>T (p.Glu1527Val)

Gene: BRCA1 (BRCA1 DNA repair associated; minus strand). Cytogenetic location: 17q21.31.
Variant type: single nucleotide variant.
Coding change: c.4580A>T on transcript NM_007294.4 (MANE Select); coding-DNA position 4580, A replaced by T.
Protein change: p.Glu1527Val; replaces glutamic acid 1527 with valine.
Molecular consequence: missense variant. On other transcripts: non-coding transcript variant (1).
Genome position (GRCh38, 1-based): chr17:43,074,426, T>A on the plus strand (A>T on the coding strand, the complement: BRCA1 is on the minus strand). VCF-style: chr17-43074426-T-A. GRCh37 (hg19) VCF-style: chr17-41226443-T-A.
Other names: c.4367A>T, p.Glu1456Val (NM_001407571.1, NM_001407894.1, NM_001407895.1 and 12 more transcripts); c.4646A>T, p.Glu1549Val (NM_001407581.1, NM_001407582.1); c.4643A>T, p.Glu1548Val (NM_001407583.1, NM_001407585.1, NM_001407587.1 and 1 more transcripts); c.4640A>T, p.Glu1547Val (NM_001407590.1, NM_001407591.1); c.4580A>T, p.Glu1527Val (NM_001407593.1, NM_001407594.1, NM_001407596.1 and 8 more transcripts); c.4577A>T, p.Glu1526Val (NM_001407610.1, NM_001407611.1, NM_001407612.1 and 17 more transcripts); c.4574A>T, p.Glu1525Val (NM_001407627.1, NM_001407628.1, NM_001407629.1 and 14 more transcripts); c.4571A>T, p.Glu1524Val (NM_001407644.1, NM_001407645.1); and 68 more; short protein forms E1480V, E1527V, E1548V, E423V, E1358V, E1398V, E1416V, E1457V.
Identifiers: ClinVar variation 1461372 (VCV001461372.9), dbSNP rs1473461169, ClinGen allele CA10592352.